The following is an entry in ClinVar:

ClinVar aggregate classification (germline): Uncertain significance. Review status: criteria provided, multiple submitters, no conflicts (2 of 4 stars). 4 submissions from 4 submitters: Uncertain significance (4). Last evaluated 2025-08-13.

Conditions:
Generalized epilepsy with febrile seizures plus, type 7 (GEFSP7). Also called: GEFS+, TYPE 7. Identifiers: Orphanet 36387, MedGen C2751778, MONDO:0013470, OMIM 613863.
Neuropathy, hereditary sensory and autonomic, type 2A (HSAN2A). Also called: ACROOSTEOLYSIS, GIACCAI TYPE; ACROOSTEOLYSIS, NEUROGENIC; HSAN IIA; WNK1-Related HSAN2 (HSAN2A); MORVAN DISEASE; NEUROPATHY, CONGENITAL SENSORY. Identifiers: Orphanet 970, MedGen C2752089, MONDO:0024309, OMIM 201300.
Primary erythromelalgia. Also called: primary erythermalgia; SCN9A Erythromelalgia (SCN9A-EM). Identifiers: Orphanet 306577, Orphanet 90026, MedGen C0014805, MONDO:0007571, OMIM 133020.

Allele frequency attached by ClinVar (database versions not stated): ExAC 0.00001; gnomAD exomes 0.00001; gnomAD 0.00003; TOPMed 0.00003.
gnomAD v4.1: 22 of 1,613,736 alleles (0.0014%); highest among the groups gnomAD compares: Admixed American, 0.005%; no homozygotes.

Submissions (4):

Labcorp Genetics (formerly Invitae), Labcorp
Classification: Uncertain significance for Neuropathy, hereditary sensory and autonomic, type 2A; Generalized epilepsy with febrile seizures plus, type 7. Last evaluated: 2025-08-13. Review status: criteria provided, single submitter. Criteria: Invitae Variant Classification Sherloc (09022015). Collection method: clinical testing. Allele origin: germline.
Comment: This sequence change replaces lysine, which is basic and polar, with glutamine, which is neutral and polar, at codon 1375 of the SCN9A protein (p.Lys1375Gln). This variant is present in population databases (rs199902747, gnomAD 0.003%). This variant has not been reported in the literature in individuals affected with SCN9A-related conditions. ClinVar contains an entry for this variant (Variation ID: 808874). Invitae Evidence Modeling of protein sequence and biophysical properties (such as structural, functional, and spatial information, amino acid conservation, physicochemical variation, residue mobility, and thermodynamic stability) indicates that this missense variant is not expected to disrupt SCN9A protein function with a negative predictive value of 95%. In summary, the available evidence is currently insufficient to determine the role of this variant in disease. Therefore, it has been classified as a Variant of Uncertain Significance.

Clinical Genomics Laboratory, Washington University in St. Louis
Classification: Uncertain significance for Primary erythromelalgia. Last evaluated: 2024-12-16. Review status: criteria provided, single submitter. Criteria: ACMG Guidelines, 2015. Collection method: clinical testing. Allele origin: germline.
Comment: The SCN9A c.4156A>C (p.Lys1386Gln) variant, to our knowledge, has not been reported in the medical literature. This variant has been reported in the ClinVar database as a variant of uncertain significance by two submitters. The highest population minor allele frequency in the population database genome aggregation database (v.2.1.1) is 0.0099% in the Ashkenazi Jewish population. Computational predictors indicate that the variant is damaging, evidence that correlates with impact to SCN9A function. Due to limited information, and based on ACMG/AMP guidelines for variant interpretation (Richards S et al., PMID: 25741868), the clinical significance of this variant is uncertain at this time.

Blueprint Genetics
Classification: Uncertain significance. Last evaluated: 2024-11-06. Review status: criteria provided, single submitter. Criteria: ACMG Guidelines, 2015. Collection method: clinical testing. Allele origin: germline.

CeGaT Center for Human Genetics Tuebingen
Classification: Uncertain significance. Last evaluated: 2024-11-01. Review status: criteria provided, single submitter. Criteria: CeGaT Center For Human Genetics Tuebingen Variant Classification Criteria Version 2. Collection method: clinical testing. Allele origin: germline. Affected: yes. Observed: 2 variant alleles.

NM_001365536.1(SCN9A):c.4156A>C (p.Lys1386Gln)

Genes: SCN1A-AS1 (SCN1A and SCN9A antisense RNA 1; plus strand), SCN9A (sodium voltage-gated channel alpha subunit 9; minus strand). Cytogenetic location: 2q24.3.
Variant type: single nucleotide variant.
Coding change: c.4156A>C on transcript NM_001365536.1 (MANE Select); coding-DNA position 4156, A replaced by C.
Protein change: p.Lys1386Gln; replaces lysine 1386 with glutamine.
Molecular consequence: missense variant.
Genome position (GRCh38, 1-based): chr2:166,228,741, T>G on the plus strand (A>C on the coding strand, the complement: SCN9A is on the minus strand). VCF-style: chr2-166228741-T-G. GRCh37 (hg19) VCF-style: chr2-167085251-T-G.
Other names: c.4123A>C, p.Lys1375Gln (NM_002977.4); short protein forms K1375Q, K1386Q.
Identifiers: ClinVar variation 808874 (VCV000808874.52), dbSNP rs199902747, ClinGen allele CA1943940.